The following is an entry in ClinVar:

ClinVar aggregate classification (germline): Likely benign (0 of 4 stars; one submission).

Conditions:
PADI3-related disorder. Also called: PADI3-related condition.

Allele frequency attached by ClinVar (database versions not stated): 1000 Genomes Project 0.00020; TOPMed 0.00029; 1000 Genomes Project 30x 0.00031; gnomAD 0.00033; ExAC 0.00044; ESP Exome Variant Server 0.00046; gnomAD exomes 0.00051.
gnomAD v4.1: 794 of 1,614,070 alleles (0.049%); highest among the groups gnomAD compares: Non-Finnish European, 0.059%; no homozygotes.

Submission:

PreventionGenetics, part of Exact Sciences
Classification: Likely benign for PADI3-related condition. Last evaluated: 2020-01-02. Review status: no assertion criteria provided. Collection method: clinical testing. Allele origin: germline.
Comment: This variant is classified as likely benign based on ACMG/AMP sequence variant interpretation guidelines (Richards et al. 2015 PMID: 25741868, with internal and published modifications).

NM_016233.2(PADI3):c.651C>T (p.Cys217=)

Gene: PADI3 (peptidyl arginine deiminase 3; plus strand). Cytogenetic location: 1p36.13.
Variant type: single nucleotide variant.
Coding change: c.651C>T on transcript NM_016233.2 (MANE Select); coding-DNA position 651, C replaced by T.
Protein change: p.Cys217=; no amino-acid change (cysteine 217 retained).
Molecular consequence: synonymous variant.
Genome position (GRCh38, 1-based): chr1:17,267,961, C>T. VCF-style: chr1-17267961-C-T. GRCh37 (hg19) VCF-style: chr1-17594456-C-T.
Identifiers: ClinVar variation 3048629 (VCV003048629.2), dbSNP rs142357785, ClinGen allele CA639773.
Genomic context (GRCh38, chr1:17,267,961, plus strand): 5'-CAAACTTGTCCTCCATACCTCCAGCTATGATGCCAAACGGGCACAGGTCTTCCACATCTG[C>T]GGTGAGTTTGTGCCACTGCCCCTTGCCATCTGTGCCCTGTTGCCAGGTTGCCTACCAGGG-3'
Protein context (NP_057317.2, residues 207-227): DAKRAQVFHI[Cys217=]GPEDVCEAYR